The following is an entry in ClinVar:

ClinVar aggregate classification (germline): Likely pathogenic. Review status: criteria provided, single submitter (1 of 4 stars). 2 submissions from 2 submitters: Likely pathogenic (1). 1 of the submissions does not count toward it. Last evaluated 2023-12-04.

Conditions:
Pheochromocytoma. Also called: MAX-Related Hereditary Paraganglioma-Pheochromocytoma Syndrome. Identifiers: Orphanet 29072, MedGen C0031511, MONDO:0008233, OMIM 171300, HP:0002666.
Gastrointestinal stromal tumor. Also called: Gastrointestinal stroma tumor; Gastrointestinal stromal tumor, somatic. Identifiers: Orphanet 44890, MedGen C0238198, MeSH D046152, MONDO:0011719, OMIM 606764, HP:0100723.
Pheochromocytoma/paraganglioma syndrome 4. Also called: CAROTID BODY TUMORS AND MULTIPLE EXTRAADRENAL PHEOCHROMOCYTOMAS; PARAGANGLIOMA, FAMILIAL MALIGNANT; PARAGANGLIOMAS, HEREDITARY EXTRAADRENAL; PHEOCHROMOCYTOMA, FAMILIAL EXTRAADRENAL; Paragangliomas 4; SDHB-Related Hereditary Paraganglioma-Pheochromocytoma Syndrome (Paragangliomas 4). Identifiers: Orphanet 29072, MedGen C1861848, MONDO:0007273, OMIM 115310.
SDHB-related disorder. Also called: SDHB-related condition; SDHB-related disorders. Identifiers: MedGen CN239418.

Submissions (2):

Labcorp Genetics (formerly Invitae), Labcorp
Classification: Likely pathogenic for Gastrointestinal stromal tumor; Pheochromocytoma/paraganglioma syndrome 4; Pheochromocytoma. Last evaluated: 2023-12-04. Review status: criteria provided, single submitter. Criteria: Invitae Variant Classification Sherloc (09022015). Collection method: clinical testing. Allele origin: germline.
Comment: This sequence change replaces aspartic acid, which is acidic and polar, with glycine, which is neutral and non-polar, at codon 74 of the SDHB protein (p.Asp74Gly). This variant is not present in population databases (gnomAD no frequency). This variant has not been reported in the literature in individuals affected with SDHB-related conditions. ClinVar contains an entry for this variant (Variation ID: 2005694). Advanced modeling of protein sequence and biophysical properties (such as structural, functional, and spatial information, amino acid conservation, physicochemical variation, residue mobility, and thermodynamic stability) performed at Invitae indicates that this missense variant is expected to disrupt SDHB protein function with a positive predictive value of 80%. RNA analysis performed to evaluate the impact of this missense change on mRNA splicing indicates it does not significantly alter splicing (Invitae). This variant disrupts the p.Asp74 amino acid residue in SDHB. Other variant(s) that disrupt this residue have been determined to be pathogenic (Invitae). This suggests that this residue is clinically significant, and that variants that disrupt this residue are likely to be disease-causing. In summary, the currently available evidence indicates that the variant is pathogenic, but additional data are needed to prove that conclusively. Therefore, this variant has been classified as Likely Pathogenic.

PreventionGenetics, part of Exact Sciences
Classification: Uncertain significance for SDHB-related condition. Last evaluated: 2024-03-18. Review status: no assertion criteria provided. Collection method: clinical testing. Allele origin: germline. Not counted in ClinVar's aggregate classification.
Comment: The SDHB c.221A>G variant is predicted to result in the amino acid substitution p.Asp74Gly. This variant has been reported in an individual with a personal and family history of bladder paraganglioma (Table 3, Jiménez et al. 2018. PubMed ID: 30172768). An alternate nucleotide change affecting the same amino acid, p.Asp74Ala, has been associated with pheochromocytoma and paraganglioma (Table S3, Greenberg et al. 2020. PubMed ID: 32741965; Table S2, Garrett et al. 2021. PubMed ID: 34906457). The variant is interpreted as likely pathogenic by a single clinical laboratory in ClinVar. This variant has not been reported in a large population database, indicating this variant is rare. Although we suspect that this variant may be pathogenic, at this time, the clinical significance of this variant is uncertain due to the absence of conclusive functional and genetic evidence.

NM_003000.3(SDHB):c.221A>G (p.Asp74Gly)

Gene: SDHB (succinate dehydrogenase complex iron sulfur subunit B; minus strand). Cytogenetic location: 1p36.13.
Variant type: single nucleotide variant.
Coding change: c.221A>G on transcript NM_003000.3 (MANE Select); coding-DNA position 221, A replaced by G.
Protein change: p.Asp74Gly; replaces aspartic acid 74 with glycine.
Molecular consequence: missense variant.
Genome position (GRCh38, 1-based): chr1:17,033,125, T>C on the plus strand (A>G on the coding strand, the complement: SDHB is on the minus strand). VCF-style: chr1-17033125-T-C. GRCh37 (hg19) VCF-style: chr1-17359620-T-C.
Other names: c.221A>G, p.Asp74Gly (NM_001407361.1); short protein forms D74G.
Identifiers: ClinVar variation 2005694 (VCV002005694.6), dbSNP rs876658713, ClinGen allele CA338276603.